The following is an entry in ClinVar:

NM_052947.4(ALPK2):c.313G>C (p.Glu105Gln)

Gene: ALPK2 (alpha kinase 2; minus strand). Cytogenetic location: 18q21.31.
Variant type: single nucleotide variant.
Coding change: c.313G>C on transcript NM_052947.4 (MANE Select); coding-DNA position 313, G replaced by C.
Protein change: p.Glu105Gln; replaces glutamic acid 105 with glutamine.
Molecular consequence: missense variant.
Genome position (GRCh38, 1-based): chr18:58,580,463, C>G on the plus strand (G>C on the coding strand, the complement: ALPK2 is on the minus strand). VCF-style: chr18-58580463-C-G. GRCh37 (hg19) VCF-style: chr18-56247695-C-G.
Other names: short protein forms E105Q.
Identifiers: ClinVar variation 1728075 (VCV001728075.2), dbSNP rs2518900398, ClinGen allele CA402568258.

ClinVar aggregate classification (germline): Uncertain significance (1 of 4 stars; one submission).

Allele frequency attached by ClinVar (database versions not stated): gnomAD exomes below 0.00001.
gnomAD v4.1: 3 of 1,614,186 alleles (0.00019%); highest among the groups gnomAD compares: Non-Finnish European, 0.00025%; no homozygotes.

Submission:

Ambry Genetics
Classification: Uncertain significance. Last evaluated: 2021-10-31. Review status: criteria provided, single submitter. Criteria: Ambry Variant Classification Scheme 2023. Collection method: clinical testing. Allele origin: germline.
Comment: The p.E105Q variant (also known as c.313G>C), located in coding exon 3 of the ALPK2 gene, results from a G to C substitution at nucleotide position 313. The glutamic acid at codon 105 is replaced by glutamine, an amino acid with highly similar properties. This amino acid position is conserved. In addition, this alteration is predicted to be tolerated by in silico analysis. Since supporting evidence is limited at this time, the clinical significance of this alteration remains unclear.